The following is an entry in ClinVar:

NM_001386140.1(MTTP):c.664A>G (p.Ile222Val)

Gene: MTTP (microsomal triglyceride transfer protein; plus strand). Cytogenetic location: 4q23.
Variant type: single nucleotide variant.
Coding change: c.664A>G on transcript NM_001386140.1 (MANE Select); coding-DNA position 664, A replaced by G.
Protein change: p.Ile222Val; replaces isoleucine 222 with valine.
Molecular consequence: missense variant.
Genome position (GRCh38, 1-based): chr4:99,591,696, A>G. VCF-style: chr4-99591696-A-G. GRCh37 (hg19) VCF-style: chr4-100512853-A-G.
Other names: c.664A>G, p.Ile222Val (NM_000253.4); c.415A>G, p.Ile139Val (NM_001300785.2); short protein forms I139V, I222V.
Identifiers: ClinVar variation 1025861 (VCV001025861.5), dbSNP rs1725425388, ClinGen allele CA357505103.

ClinVar aggregate classification (germline): Uncertain significance (1 of 4 stars; one submission).

Submission:

Labcorp Genetics (formerly Invitae), Labcorp
Classification: Uncertain significance. Last evaluated: 2020-02-02. Review status: criteria provided, single submitter. Criteria: Invitae Variant Classification Sherloc (09022015). Collection method: clinical testing. Allele origin: germline.
Comment: In summary, the available evidence is currently insufficient to determine the role of this variant in disease. Therefore, it has been classified as a Variant of Uncertain Significance. Algorithms developed to predict the effect of sequence changes on RNA splicing suggest that this variant may create or strengthen a splice site, but this prediction has not been confirmed by published transcriptional studies. This sequence change replaces isoleucine with valine at codon 222 of the MTTP protein (p.Ile222Val). The isoleucine residue is weakly conserved and there is a small physicochemical difference between isoleucine and valine. This variant is not present in population databases (ExAC no frequency). Algorithms developed to predict the effect of missense changes on protein structure and function (SIFT, PolyPhen-2, Align-GVGD) all suggest that this variant is likely to be tolerated, but these predictions have not been confirmed by published functional studies and their clinical significance is uncertain. This variant has not been reported in the literature in individuals with MTTP-related conditions.